The following is an entry in ClinVar:

ClinVar aggregate classification (germline): Likely pathogenic (1 of 4 stars; one submission).

Submission:

Labcorp Genetics (formerly Invitae), Labcorp
Classification: Likely pathogenic. Last evaluated: 2019-07-09. Review status: criteria provided, single submitter. Criteria: Invitae Variant Classification Sherloc (09022015). Collection method: clinical testing. Allele origin: germline.
Comment: In summary, the currently available evidence indicates that the variant is pathogenic, but additional data are needed to prove that conclusively. Therefore, this variant has been classified as Likely Pathogenic. Donor and acceptor splice site variants typically lead to a loss of protein function (PMID: 16199547), and loss-of-function variants in LZTFL1 are known to be pathogenic (PMID: 22510444, 23692385). Algorithms developed to predict the effect of sequence changes on RNA splicing suggest that this variant may disrupt the consensus splice site, but this prediction has not been confirmed by published transcriptional studies. This variant has not been reported in the literature in individuals with LZTFL1-related conditions. This variant is not present in population databases (ExAC no frequency). This sequence change affects an acceptor splice site in intron 4 of the LZTFL1 gene. It is expected to disrupt RNA splicing and likely results in an absent or disrupted protein product.

Literature cited by the submitters: PubMed 16199547; PubMed 22510444; PubMed 23692385.

NM_020347.4(LZTFL1):c.385-2del

Gene: LZTFL1 (leucine zipper transcription factor like 1; minus strand). Cytogenetic location: 3p21.31.
Variant type: Deletion.
Coding change: c.385-2del on transcript NM_020347.4 (MANE Select); the canonical splice acceptor site of the intron before coding-DNA position 385, one base deleted (A; older notation c.385-2delA).
Molecular consequence: splice acceptor variant.
Genome position (GRCh38, 1-based): chr3:45,833,123, T deleted on the plus strand (A on the coding strand, the reverse complement: LZTFL1 is on the minus strand). VCF-style (leftmost placement, unchanged base first): chr3-45833122-CT-C. GRCh37 (hg19) VCF-style: chr3-45874614-CT-C.
Other names: c.409-2del (NM_001405925.1, NM_001405920.1); c.373-2del (NM_001276379.2, NM_001405921.1); c.334-2del (NM_001405927.1, NM_001276378.2, NM_001405926.1 and 4 more transcripts); c.385-2del (NM_001405924.1, NM_001386452.1).
Identifiers: ClinVar variation 950068 (VCV000950068.7), dbSNP rs1700875869, ClinGen allele CA1139658018.